The following is an entry in ClinVar:

NM_015205.3(ATP11A):c.2744C>T (p.Ala915Val)

Gene: ATP11A (ATPase phospholipid transporting 11A; plus strand). Cytogenetic location: 13q34.
Variant type: single nucleotide variant.
Coding change: c.2744C>T on transcript NM_015205.3 (MANE Select); coding-DNA position 2744, C replaced by T.
Protein change: p.Ala915Val; replaces alanine 915 with valine.
Molecular consequence: missense variant.
Genome position (GRCh38, 1-based): chr13:112,860,303, C>T. VCF-style: chr13-112860303-C-T. GRCh37 (hg19) VCF-style: chr13-113514617-C-T.
Other names: c.2744C>T, p.Ala915Val (NM_001405661.1, NM_001405662.1, NM_001405663.1 and 1 more transcripts); short protein forms A915V.
Identifiers: ClinVar variation 4980870 (VCV004980870.1).

ClinVar aggregate classification (germline): Likely benign (1 of 4 stars; one submission).

Conditions:
ATP11A-related disorder. Also called: ATP11A-related condition.

gnomAD v4.1: 327 of 1,614,084 alleles (0.02%); highest among the groups gnomAD compares: Admixed American, 0.25%; 1 homozygote.

Submission:

PreventionGenetics, part of Exact Sciences
Classification: Likely benign for ATP11A-related condition. Last evaluated: 2026-02-24. Review status: criteria provided, single submitter. Criteria: ACMG Guidelines, 2015. Collection method: clinical testing. Allele origin: germline.
Comment: This variant is classified as likely benign based on ACMG/AMP sequence variant interpretation guidelines (Richards et al. 2015 PMID: 25741868, with internal and published modifications).